The following is an entry in ClinVar:

NM_002907.4(RECQL):c.761C>G (p.Thr254Ser)

Gene: RECQL (RecQ like helicase; minus strand). Cytogenetic location: 12p12.1.
Variant type: single nucleotide variant.
Coding change: c.761C>G on transcript NM_002907.4 (MANE Select); coding-DNA position 761, C replaced by G.
Protein change: p.Thr254Ser; replaces threonine 254 with serine.
Molecular consequence: missense variant.
Genome position (GRCh38, 1-based): chr12:21,477,909, G>C on the plus strand (C>G on the coding strand, the complement: RECQL is on the minus strand). VCF-style: chr12-21477909-G-C. GRCh37 (hg19) VCF-style: chr12-21630843-G-C.
Other names: c.761C>G, p.Thr254Ser (NM_032941.3); short protein forms T254S.
Identifiers: ClinVar variation 1759834 (VCV001759834.3), dbSNP rs1943116975, ClinGen allele CA384124775.

ClinVar aggregate classification (germline): Uncertain significance (1 of 4 stars; one submission).

Allele frequency attached by ClinVar (database versions not stated): gnomAD exomes below 0.00001; gnomAD 0.00001.

Submission:

Ambry Genetics
Classification: Uncertain significance. Last evaluated: 2023-08-29. Review status: criteria provided, single submitter. Criteria: Ambry Variant Classification Scheme 2023. Collection method: clinical testing. Allele origin: germline.
Comment: The p.T254S variant (also known as c.761C>G), located in coding exon 6 of the RECQL gene, results from a C to G substitution at nucleotide position 761. The threonine at codon 254 is replaced by serine, an amino acid with similar properties. This amino acid position is highly conserved in available vertebrate species. In addition, the in silico prediction for this alteration is inconclusive. Since supporting evidence is limited at this time, the clinical significance of this alteration remains unclear.